The following is an entry in ClinVar:

NM_021008.4(DEAF1):c.754T>C (p.Trp252Arg)

Gene: DEAF1 (DEAF1 transcription factor; minus strand). Cytogenetic location: 11p15.5.
Variant type: single nucleotide variant.
Coding change: c.754T>C on transcript NM_021008.4 (MANE Select); coding-DNA position 754, T replaced by C.
Protein change: p.Trp252Arg; replaces tryptophan 252 with arginine.
Molecular consequence: missense variant. On other transcripts: intron variant (1).
Genome position (GRCh38, 1-based): chr11:686,908, A>G on the plus strand (T>C on the coding strand, the complement: DEAF1 is on the minus strand). VCF-style: chr11-686908-A-G. GRCh37 (hg19) VCF-style: chr11-686908-A-G.
Other names: c.754T>C (NM_021008.2); c.28T>C, p.Trp10Arg (NM_001367390.1, NM_001440885.1, NM_001440886.1 and 1 more transcripts); c.754T>C, p.Trp252Arg (NM_001440883.1, NM_001440884.1); c.664+1003T>C (NM_001293634.2); short protein forms W10R, W252R.
Identifiers: ClinVar variation 1376145 (VCV001376145.10), dbSNP rs2133402346, ClinGen allele CA378932132.
Genomic context (GRCh38, chr11:686,908, plus strand): 5'-CGGACGATACCTGGATGAGGCACTGCAAGGGTCGGCCCGCGTAGCGAATGCTTCTTTTCC[A>G]GTCCTTACTGCTGGCTCTTCCTGCCATGGCCTCAAACTCGGTGGGACTGTACCAGTTCTC-3'
Protein context (NP_066288.2, residues 242-262): AMAGRASSKD[Trp252Arg]KRSIRYAGRP

ClinVar aggregate classification (germline): Conflicting classifications of pathogenicity. Review status: criteria provided, conflicting classifications (1 of 4 stars). 3 submissions from 3 submitters: Pathogenic (2); Uncertain significance (1). Last evaluated 2025-08-12.

Conditions:
Intellectual disability, autosomal dominant 24 (VSVS). Also called: VULTO-VAN SILFHOUT-DE VRIES SYNDROME. Identifiers: MedGen C4014414, MONDO:0014357, OMIM 615828.

Submissions (3):

GeneDx
Classification: Pathogenic. Last evaluated: 2025-08-12. Review status: criteria provided, single submitter. Criteria: GeneDx Variant Classification Process June 2021. Collection method: clinical testing. Allele origin: germline. Affected: yes.
Comment: Not observed at significant frequency in large population cohorts (gnomAD); In silico analysis supports that this missense variant has a deleterious effect on protein structure/function; This variant is associated with the following publications: (PMID: 33258288, 35981081)

Labcorp Genetics (formerly Invitae), Labcorp
Classification: Pathogenic. Last evaluated: 2025-04-07. Review status: criteria provided, single submitter. Criteria: Invitae Variant Classification Sherloc (09022015). Collection method: clinical testing. Allele origin: germline.
Comment: This sequence change replaces tryptophan, which is neutral and slightly polar, with arginine, which is basic and polar, at codon 252 of the DEAF1 protein (p.Trp252Arg). This variant is not present in population databases (gnomAD no frequency). This missense change has been observed in individual(s) with clinical features of autosomal dominant DEAF1-related conditions (PMID: 33258288, 35981081). In at least one individual the variant was observed to be de novo. ClinVar contains an entry for this variant (Variation ID: 1376145). Invitae Evidence Modeling of protein sequence and biophysical properties (such as structural, functional, and spatial information, amino acid conservation, physicochemical variation, residue mobility, and thermodynamic stability) indicates that this missense variant is expected to disrupt DEAF1 protein function with a positive predictive value of 95%. For these reasons, this variant has been classified as Pathogenic.

3billion
Classification: Uncertain significance for Intellectual disability, autosomal dominant 24. Last evaluated: 2024-06-05. Review status: criteria provided, single submitter. Criteria: ACMG Guidelines, 2015. Collection method: clinical testing. Allele origin: germline. Affected: yes.
Comment: The variant is not observed in the gnomAD v4.0.0 dataset. Predicted Consequence/Location: Missense variant In silico tool predictions suggest damaging effect of the variant on gene or gene product [REVEL: 0.91 (>=0.6, sensitivity 0.68 and specificity 0.92); 3Cnet: 0.75 (>=0.6, sensitivity 0.72 and precision 0.9)]. The same nucleotide change resulting in the same amino acid change has been previously reported to be associated with DEAF1-related disorder (PMID: 33258288). However, the evidence of pathogenicity is insufficient at this time. Therefore, this variant is classified as VUS according to the recommendation of ACMG/AMP guideline.

Literature cited by the submitters: PubMed 33258288 (cited by Labcorp Genetics (formerly Invitae), Labcorp and 3billion); PubMed 35981081 (cited by Labcorp Genetics (formerly Invitae), Labcorp).